The following is an entry in ClinVar:

ClinVar aggregate classification (germline): Uncertain significance (1 of 4 stars; one submission).

Allele frequency attached by ClinVar (database versions not stated): TOPMed below 0.00001.

Submission:

GeneDx
Classification: Uncertain significance. Last evaluated: 2022-06-14. Review status: criteria provided, single submitter. Criteria: GeneDx Variant Classification Process June 2021. Collection method: clinical testing. Allele origin: germline. Affected: yes.
Comment: Not observed at significant frequency in large population cohorts (gnomAD); In silico analysis supports that this missense variant does not alter protein structure/function; Has not been previously published as pathogenic or benign to our knowledge

NM_000352.6(ABCC8):c.2384A>G (p.Lys795Arg)

Genes: ABCC8 (ATP binding cassette subfamily C member 8; minus strand), LOC110121471 (VISTA enhancer hs1977; plus strand). Cytogenetic location: 11p15.1.
Variant type: single nucleotide variant.
Coding change: c.2384A>G on transcript NM_000352.6 (MANE Select); coding-DNA position 2384, A replaced by G.
Protein change: p.Lys795Arg; replaces lysine 795 with arginine.
Molecular consequence: missense variant. On other transcripts: non-coding transcript variant (1).
Genome position (GRCh38, 1-based): chr11:17,414,518, T>C on the plus strand (A>G on the coding strand, the complement: ABCC8 is on the minus strand). VCF-style: chr11-17414518-T-C. GRCh37 (hg19) VCF-style: chr11-17436065-T-C.
Other names: c.2387A>G, p.Lys796Arg (NM_001287174.3); c.2450A>G, p.Lys817Arg (NM_001351295.2); c.2384A>G, p.Lys795Arg (NM_001351296.2); c.2381A>G, p.Lys794Arg (NM_001351297.2); short protein forms K794R, K795R, K796R, K817R.
Identifiers: ClinVar variation 1806524 (VCV001806524.1), dbSNP rs1954970377, ClinGen allele CA379809002.
Genomic context (GRCh38, chr11:17,414,518, plus strand): 5'-GGCCAGAGACAGTTCCTCCCCTCCACATCCTGCCTCCCTCCGACAGGCTTTTACCGTTGT[T>C]TGTTGAAGGGACTCTCAAAGATGATGTTCTCCTCCACAGTGGCATTTAGCAGCCATGGTT-3'
Protein context (NP_000343.2, residues 785-805): ENIIFESPFN[Lys795Arg]QRYKMVIEAC